The following is an entry in ClinVar:

ClinVar aggregate classification (germline): Uncertain significance. Review status: criteria provided, multiple submitters, no conflicts (2 of 4 stars). 2 submissions from 2 submitters: Uncertain significance (2). Last evaluated 2025-06-30.

Conditions:
Long QT syndrome (LQTS). Identifiers: MedGen C0023976, MeSH D008133, MONDO:0002442. Disease mechanism: loss of function. Inheritance: Various modes of inheritance.
Cardiovascular phenotype. Identifiers: MedGen CN230736.

gnomAD v4.1: 1 of 1,613,970 alleles (0.000062%); highest among the groups gnomAD compares: Non-Finnish European, 0.000085%; no homozygotes.

Submissions (2):

Ambry Genetics
Classification: Uncertain significance for Cardiovascular phenotype. Last evaluated: 2025-06-30. Review status: criteria provided, single submitter. Criteria: Ambry Variant Classification Scheme 2023. Collection method: clinical testing. Allele origin: germline.

Labcorp Genetics (formerly Invitae), Labcorp
Classification: Uncertain significance for Long QT syndrome. Last evaluated: 2022-12-23. Review status: criteria provided, single submitter. Criteria: Invitae Variant Classification Sherloc (09022015). Collection method: clinical testing. Allele origin: germline.
Comment: In summary, the available evidence is currently insufficient to determine the role of this variant in disease. Therefore, it has been classified as a Variant of Uncertain Significance. Algorithms developed to predict the effect of missense changes on protein structure and function are either unavailable or do not agree on the potential impact of this missense change (SIFT: "Tolerated"; PolyPhen-2: "Possibly Damaging"; Align-GVGD: "Class C0"). This sequence change replaces lysine, which is basic and polar, with glutamine, which is neutral and polar, at codon 395 of the AKAP9 protein (p.Lys395Gln). This variant is not present in population databases (gnomAD no frequency). This variant has not been reported in the literature in individuals affected with AKAP9-related conditions. ClinVar contains an entry for this variant (Variation ID: 1742687).

NM_005751.5(AKAP9):c.1183A>C (p.Lys395Gln)

Gene: AKAP9 (A-kinase anchoring protein 9; plus strand). Cytogenetic location: 7q21.2.
Variant type: single nucleotide variant.
Coding change: c.1183A>C on transcript NM_005751.5 (MANE Select); coding-DNA position 1183, A replaced by C.
Protein change: p.Lys395Gln; replaces lysine 395 with glutamine.
Molecular consequence: missense variant.
Genome position (GRCh38, 1-based): chr7:92,001,100, A>C. VCF-style: chr7-92001100-A-C. GRCh37 (hg19) VCF-style: chr7-91630414-A-C.
Other names: c.1183A>C, p.Lys395Gln (NM_147185.3); short protein forms K395Q.
Identifiers: ClinVar variation 1742687 (VCV001742687.8), dbSNP rs886062467, ClinGen allele CA368121201.
Genomic context (GRCh38, chr7:92,001,100, plus strand): 5'-AACATGAAATTAGAGCTGACTAATTCTAAGCAAAAAGAAAGACAGTCTTCTGAAGAAATA[A>C]AACAGTTAATGGGGACAGTCGAAGAACTTCAGAAGAGAAATCATAAAGACAGCCAGTTCG-3'
Protein context (NP_005742.4, residues 385-405): QKERQSSEEI[Lys395Gln]QLMGTVEELQ